The following is an entry in ClinVar:

ClinVar aggregate classification (germline): Pathogenic (1 of 4 stars; one submission).

Submission:

Labcorp Genetics (formerly Invitae), Labcorp
Classification: Pathogenic. Last evaluated: 2022-12-08. Review status: criteria provided, single submitter. Criteria: Invitae Variant Classification Sherloc (09022015). Collection method: clinical testing. Allele origin: germline.
Comment: This sequence change replaces arginine, which is basic and polar, with glutamine, which is neutral and polar, at codon 51 of the MAB21L1 protein (p.Arg51Gln). This variant is not present in population databases (gnomAD no frequency). This missense change has been observed in individual(s) with aniridia (PMID: 36413568; Invitae). In at least one individual the variant was observed to be de novo. It has also been observed to segregate with disease in related individuals. Advanced modeling of protein sequence and biophysical properties (such as structural, functional, and spatial information, amino acid conservation, physicochemical variation, residue mobility, and thermodynamic stability) performed at Invitae indicates that this missense variant is expected to disrupt MAB21L1 protein function. For these reasons, this variant has been classified as Pathogenic.

Literature cited by the submitters: PubMed 36413568.

NM_005584.5(MAB21L1):c.152G>A (p.Arg51Gln)

Genes: MAB21L1 (mab-21 like 1; minus strand), NBEA (neurobeachin; plus strand). Cytogenetic location: 13q13.3.
Variant type: single nucleotide variant.
Coding change: c.152G>A on transcript NM_005584.5 (MANE Select); coding-DNA position 152, G replaced by A.
Protein change: p.Arg51Gln; replaces arginine 51 with glutamine.
Molecular consequence: missense variant. On other transcripts: intron variant (3).
Genome position (GRCh38, 1-based): chr13:35,475,987, C>T on the plus strand (G>A on the coding strand, the complement: MAB21L1 is on the minus strand). VCF-style: chr13-35475987-C-T. GRCh37 (hg19) VCF-style: chr13-36050124-C-T.
Other names: c.6585+3451C>T (NM_001385012.1, NM_015678.5); c.6576+3451C>T (NM_001379245.1); short protein forms R51Q.
Identifiers: ClinVar variation 2175962 (VCV002175962.4), dbSNP rs2549594379, ClinGen allele CA387988062.